The following is an entry in ClinVar:

ClinVar aggregate classification (germline): Benign/Likely benign. Review status: criteria provided, multiple submitters, no conflicts (2 of 4 stars). 2 submissions from 2 submitters: Benign (1); Likely benign (1). Last evaluated 2024-11-06.

Conditions:
Hereditary cancer-predisposing syndrome. Also called: Neoplastic Syndromes, Hereditary; Tumor predisposition; Hereditary Cancer Syndrome; Hereditary neoplastic syndrome. Identifiers: Orphanet 140162, MedGen C0027672, MeSH D009386, MONDO:0015356.
Papillary renal cell carcinoma type 1 (RCCP1). Also called: Renal adenocarcinoma; Renal cell carcinoma 1; Renal cell carcinoma, somatic; RENAL CELL CARCINOMA, PAPILLARY, 1, SOMATIC. Identifiers: Orphanet 47044, MedGen C1336839, OMIM 605074, HP:0011797.

Submissions (2):

Myriad Genetics, Inc.
Classification: Benign for Papillary renal cell carcinoma type 1. Last evaluated: 2024-11-06. Review status: criteria provided, single submitter. Criteria: Myriad Autosomal Dominant, Autosomal Recessive and X-Linked Classification Criteria (2023). Collection method: clinical testing. Allele origin: unknown.
Comment: This variant is considered benign. This variant is a silent/synonymous amino acid change and it is not expected to impact splicing.

Ambry Genetics
Classification: Likely benign for Hereditary cancer-predisposing syndrome. Last evaluated: 2020-10-11. Review status: criteria provided, single submitter. Criteria: Ambry Variant Classification Scheme 2023. Collection method: clinical testing. Allele origin: germline.

NM_000245.4(MET):c.891G>A (p.Glu297=)

Gene: MET (MET proto-oncogene, receptor tyrosine kinase; plus strand). Cytogenetic location: 7q31.2.
Variant type: single nucleotide variant.
Coding change: c.891G>A on transcript NM_000245.4 (MANE Select); coding-DNA position 891, G replaced by A.
Protein change: p.Glu297=; no amino-acid change (glutamic acid 297 retained).
Molecular consequence: synonymous variant. On other transcripts: intron variant (1).
Genome position (GRCh38, 1-based): chr7:116,699,975, G>A. VCF-style: chr7-116699975-G-A. GRCh37 (hg19) VCF-style: chr7-116340029-G-A.
Other names: c.891G>A, p.Glu297= (NM_001127500.3, NM_001324401.3); c.-91+27398G>A (NM_001324402.2).
Identifiers: ClinVar variation 1765112 (VCV001765112.3), dbSNP rs1791506647, ClinGen allele CA457448090.